The following is an entry in ClinVar:

NM_001283009.2(RTEL1):c.1372T>G (p.Phe458Val)

Genes: RTEL1 (regulator of telomere elongation helicase 1; plus strand), RTEL1-TNFRSF6B (RTEL1-TNFRSF6B readthrough (NMD candidate); plus strand). Cytogenetic location: 20q13.33.
Variant type: single nucleotide variant.
Coding change: c.1372T>G on transcript NM_001283009.2 (MANE Select); coding-DNA position 1372, T replaced by G.
Protein change: p.Phe458Val; replaces phenylalanine 458 with valine.
Molecular consequence: missense variant. On other transcripts: non-coding transcript variant (1).
Genome position (GRCh38, 1-based): chr20:63,687,661, T>G. VCF-style: chr20-63687661-T-G. GRCh37 (hg19) VCF-style: chr20-62319014-T-G.
Other names: c.703T>G, p.Phe235Val (NM_001283010.1); c.1372T>G, p.Phe458Val (NM_016434.4); c.1444T>G, p.Phe482Val (NM_032957.5); short protein forms F458V, F482V, F235V.
Identifiers: ClinVar variation 3791212 (VCV003791212.1).
Genomic context (GRCh38, chr20:63,687,661, plus strand): 5'-TCACACTCTGTGCCCTCTGCCGCCCCCCGCCCCACAGGGAAGGTGCTGAGCTACTGGTGC[T>G]TCAGTCCCGGCCACAGCATGCACGAGCTGGTCCGCCAGGGCGTCCGCTCCCTCATCCTTA-3'
Protein context (NP_001269938.1, residues 448-468): KRGKVLSYWC[Phe458Val]SPGHSMHELV

ClinVar aggregate classification (germline): Uncertain significance (1 of 4 stars; one submission).

Conditions:
Inborn genetic diseases. Identifiers: MedGen C0950123, MeSH D030342.

Submission:

Ambry Genetics
Classification: Uncertain significance for Inborn genetic diseases. Last evaluated: 2025-03-09. Review status: criteria provided, single submitter. Criteria: Ambry Variant Classification Scheme 2023. Collection method: clinical testing. Allele origin: germline.
Comment: The p.F458V variant (also known as c.1372T>G), located in coding exon 16 of the RTEL1 gene, results from a T to G substitution at nucleotide position 1372. The phenylalanine at codon 458 is replaced by valine, an amino acid with highly similar properties. This amino acid position is conserved. In addition, this alteration is predicted to be deleterious by in silico analysis. Based on the available evidence, the clinical significance of this variant remains unclear.